The following is an entry in ClinVar:

NM_000384.3(APOB):c.7863A>C (p.Leu2621=)

Gene: APOB (apolipoprotein B; minus strand). Cytogenetic location: 2p24.1.
Variant type: single nucleotide variant.
Coding change: c.7863A>C on transcript NM_000384.3 (MANE Select); coding-DNA position 7863, A replaced by C.
Protein change: p.Leu2621=; no amino-acid change (leucine 2621 retained).
Molecular consequence: synonymous variant.
Genome position (GRCh38, 1-based): chr2:21,009,005, T>G on the plus strand (A>C on the coding strand, the complement: APOB is on the minus strand). VCF-style: chr2-21009005-T-G. GRCh37 (hg19) VCF-style: chr2-21231877-T-G.
Other names: p.Leu2621=.
Identifiers: ClinVar variation 237750 (VCV000237750.65), dbSNP rs138497378, ClinGen allele CA064874.
Genomic context (GRCh38, chr2:21,009,005, plus strand): 5'-GATTTTTATATTTTTTAAGTCTTTGAAGTTTATCTGAACTGATGGAATCCTCAAATCTGT[T>G]AGGGGGACTATAAAATCAGGTGTCTGGAAGGTAGCTTTCTGAAGAGCCTGAAGACTGACT-3'
Protein context (NP_000375.3, residues 2611-2631): TFQTPDFIVP[Leu2621=]TDLRIPSVQI

ClinVar aggregate classification (germline): Conflicting classifications of pathogenicity. Review status: criteria provided, conflicting classifications (1 of 4 stars). 13 submissions from 12 submitters: Uncertain significance (2); Benign (1); Likely benign (8). 2 of the submissions do not count toward it. Last evaluated 2026-03-27.

Conditions:
Cardiovascular phenotype. Identifiers: MedGen CN230736.
APOB-related disorder. Also called: APOB-related condition; APOB-related disorders.
Familial hypobetalipoproteinemia 1. Also called: APOB-Related Familial Hypobetalipoproteinemia; Hypobetalipoproteinemia, normotriglyceridemic; Acanthocytosis with hypobetalipoproteinemia. Identifiers: MedGen C4551990, MONDO:0014252, OMIM 615558.
Hypercholesterolemia, autosomal dominant, type B (FHCL2). Also called: APOB-Related Familial Hypercholesterolemia, Autosomal Dominant; HYPERCHOLESTEROLEMIA, FAMILIAL, DUE TO LIGAND-DEFECTIVE APOLIPOPROTEIN B; Familial Hypercholesterolemia Type B; APOLIPOPROTEIN B-100, FAMILIAL DEFECTIVE; APOLIPOPROTEIN B-100, FAMILIAL LIGAND-DEFECTIVE; Hyperlipoproteinemia Type IIb. Identifiers: MedGen C1704417, MONDO:0007751, OMIM 144010.
Familial hypercholesterolemia. Also called: Familial hypercholesterolaemia; Familial hypercholesterolemias. Identifiers: MedGen C0020445, MONDO:0005439.

Allele frequency attached by ClinVar (database versions not stated): ExAC 0.00017; gnomAD exomes 0.00018 and 0.00033; gnomAD 0.00019 and 0.00022; TOPMed 0.00028; ESP Exome Variant Server 0.00046.
gnomAD v4.1: 513 of 1,613,922 alleles (0.032%); highest among the groups gnomAD compares: Non-Finnish European, 0.04%; no homozygotes.

Submissions (13):

Molecular Diagnostic Laboratory for Inherited Cardiovascular Disease, Montreal Heart Institute
Classification: Likely benign. Last evaluated: 2026-03-27. Review status: criteria provided, single submitter. Criteria: ACMG Guidelines, 2015. Collection method: clinical testing. Allele origin: germline. Affected: no.
Comment: BP7

Labcorp Genetics (formerly Invitae), Labcorp
Classification: Likely benign for Familial hypobetalipoproteinemia 1; Hypercholesterolemia, autosomal dominant, type B. Last evaluated: 2026-01-10. Review status: criteria provided, single submitter. Criteria: Invitae Variant Classification Sherloc (09022015). Collection method: clinical testing. Allele origin: germline.

PreventionGenetics, part of Exact Sciences
Classification: Likely benign for APOB-related condition. Last evaluated: 2025-05-13. Review status: criteria provided, single submitter. Criteria: ACMG Guidelines, 2015. Collection method: clinical testing. Allele origin: germline.
Comment: This variant is classified as likely benign based on ACMG/AMP sequence variant interpretation guidelines (Richards et al. 2015 PMID: 25741868, with internal and published modifications).

Quest Diagnostics Nichols Institute San Juan Capistrano
Classification: Benign. Last evaluated: 2025-03-05. Review status: criteria provided, single submitter. Criteria: Quest Diagnostics criteria. Collection method: clinical testing. Allele origin: unknown.

Mayo Clinic Laboratories, Mayo Clinic
Classification: Likely benign. Last evaluated: 2025-02-19. Review status: criteria provided, single submitter. Criteria: ACMG Guidelines, 2015. Collection method: clinical testing. Allele origin: germline. Observed: 2 variant alleles.
Comment: BP4, BP7

Blueprint Genetics
Classification: Likely benign. Last evaluated: 2024-10-24. Review status: criteria provided, single submitter. Criteria: ACMG Guidelines, 2015. Collection method: clinical testing. Allele origin: germline.

CeGaT Center for Human Genetics Tuebingen
Classification: Likely benign. Last evaluated: 2023-10-01. Review status: criteria provided, single submitter. Criteria: CeGaT Center For Human Genetics Tuebingen Variant Classification Criteria Version 2. Collection method: clinical testing. Allele origin: germline. Affected: yes. Observed: 1 variant allele.
Comment: APOB: BP4, BP7

GENinCode PLC
Classification: Likely benign for Familial hypercholesterolemia. Last evaluated: 2023-08-17. Review status: criteria provided, single submitter. Criteria: ACMG Guidelines, 2015. Collection method: clinical testing. Allele origin: germline.
Comment: This is a synonymous (silent) variant that is not predicted by SpliceAI to impact splicing. In addition, it occurs at a nucleotide that is not conserved. Therefore this variant has been classified as Likely Benign (BP4, BP7).

Illumina Laboratory Services, Illumina
Classification: Uncertain significance for Familial hypobetalipoproteinemia 1. Last evaluated: 2018-01-13. Review status: criteria provided, single submitter. Criteria: ICSL Variant Classification Criteria 13 December 2019. Collection method: clinical testing. Allele origin: germline.

Illumina Laboratory Services, Illumina
Classification: Uncertain significance for Hypercholesterolemia, autosomal dominant, type B. Last evaluated: 2018-01-13. Review status: criteria provided, single submitter. Criteria: ICSL Variant Classification Criteria 13 December 2019. Collection method: clinical testing. Allele origin: germline.

Ambry Genetics
Classification: Likely benign for Cardiovascular phenotype. Last evaluated: 2017-12-15. Review status: criteria provided, single submitter. Criteria: Ambry Variant Classification Scheme 2023. Collection method: clinical testing. Allele origin: germline.

Clinical Genetics, Academic Medical Center
Classification: Benign. Review status: no assertion criteria provided. Collection method: clinical testing. Allele origin: germline. Affected: yes. Study: VKGL Data-share Consensus. Not counted in ClinVar's aggregate classification.

Diagnostic Laboratory, Department of Genetics, University Medical Center Groningen
Classification: Likely benign. Review status: no assertion criteria provided. Collection method: clinical testing. Allele origin: germline. Affected: yes. Study: VKGL Data-share Consensus. Not counted in ClinVar's aggregate classification.

Literature cited by the submitters: PubMed 30122538 (cited by Quest Diagnostics Nichols Institute San Juan Capistrano).